The following is an entry in ClinVar:

NM_001023.4(RPS20):c.14A>T (p.Asp5Val)

Gene: RPS20 (ribosomal protein S20; minus strand). Cytogenetic location: 8q12.1.
Variant type: single nucleotide variant.
Coding change: c.14A>T on transcript NM_001023.4 (MANE Select); coding-DNA position 14, A replaced by T.
Protein change: p.Asp5Val; replaces aspartic acid 5 with valine.
Molecular consequence: missense variant.
Genome position (GRCh38, 1-based): chr8:56,074,149, T>A on the plus strand (A>T on the coding strand, the complement: RPS20 is on the minus strand). VCF-style: chr8-56074149-T-A. GRCh37 (hg19) VCF-style: chr8-56986708-T-A.
Other names: c.14A>T, p.Asp5Val (NM_001146227.3); short protein forms D5V.
Identifiers: ClinVar variation 4825841 (VCV004825841.1).

ClinVar aggregate classification (germline): Uncertain significance (1 of 4 stars; one submission).

gnomAD v4.1: 2 of 1,612,178 alleles (0.00012%); highest among the groups gnomAD compares: Non-Finnish European, 0.00017%; no homozygotes.

Submission:

Ambry Genetics
Classification: Uncertain significance. Last evaluated: 2026-03-11. Review status: criteria provided, single submitter. Criteria: Ambry Variant Classification Scheme 2023. Collection method: clinical testing. Allele origin: germline.
Comment: The p.D5V variant (also known as c.14A>T), located in coding exon 2 of the RPS20 gene, results from an A to T substitution at nucleotide position 14. The aspartic acid at codon 5 is replaced by valine, an amino acid with highly dissimilar properties. This amino acid position is conserved. In addition, this alteration is predicted to be deleterious by in silico analysis. Based on the available evidence, the clinical significance of this variant remains unclear.